The following is an entry in ClinVar:

NM_001205293.3(CACNA1E):c.4837T>G (p.Leu1613Val)

Gene: CACNA1E (calcium voltage-gated channel subunit alpha1 E; plus strand). Cytogenetic location: 1q25.3.
Variant type: single nucleotide variant.
Coding change: c.4837T>G on transcript NM_001205293.3 (MANE Select); coding-DNA position 4837, T replaced by G.
Protein change: p.Leu1613Val; replaces leucine 1613 with valine.
Molecular consequence: missense variant.
Genome position (GRCh38, 1-based): chr1:181,766,567, T>G. VCF-style: chr1-181766567-T-G. GRCh37 (hg19) VCF-style: chr1-181735703-T-G.
Other names: c.4837T>G, p.Leu1613Val (NM_000721.4); c.4780T>G, p.Leu1594Val (NM_001205294.2); short protein forms L1594V, L1613V.
Identifiers: ClinVar variation 4686205 (VCV004686205.1).

ClinVar aggregate classification (germline): Uncertain significance (1 of 4 stars; one submission).

Submission:

GeneDx
Classification: Uncertain significance. Last evaluated: 2025-07-13. Review status: criteria provided, single submitter. Criteria: GeneDx Variant Classification Process June 2021. Collection method: clinical testing. Allele origin: germline. Affected: yes.
Comment: Not observed at significant frequency in large population cohorts (gnomAD); In silico analysis supports that this missense variant has a deleterious effect on protein structure/function; Has not been previously published as pathogenic or benign to our knowledge.